The following is an entry in ClinVar:

ClinVar aggregate classification (germline): Pathogenic. Review status: criteria provided, multiple submitters, no conflicts (2 of 4 stars). 2 submissions from 2 submitters: Pathogenic (2). Last evaluated 2011-08-12.

Submissions (2):

ISCA site 14
Classification: Pathogenic. Last evaluated: 2011-08-12. Review status: criteria provided, single submitter. Criteria: Kaminsky et al. (Genet Med. 2011). Collection method: clinical testing. Allele origin: unknown. Affected: yes. Observed: 1 variant allele.
Comment: Copy number variation identified through the course of routine clinical cytogenomic testing in postnatal populations. Clinical assertions have been curated as described in Kaminsky et al. 2011.

ISCA site 4
Classification: Pathogenic. Last evaluated: 2011-08-12. Review status: criteria provided, single submitter. Criteria: Kaminsky et al. (Genet Med. 2011). Collection method: clinical testing. Allele origin: paternal. Affected: yes. Observed: 1 variant allele.
Comment: the same text as in the submission from ISCA site 14 above.

GRCh38/hg38 16p13.11(chr16:14816348-16431491)x1

Genes: ABCC1 (ATP binding cassette subfamily C member 1 (ABCC1 blood group); plus strand), ABCC6 (ATP binding cassette subfamily C member 6; minus strand), BMERB1 (bMERB domain containing 1; plus strand), CEP20 (centrosomal protein 20; minus strand), MARF1 (meiosis regulator and mRNA stability factor 1; minus strand) and 51 more. Cytogenetic location: 16p13.11.
Variant type: copy number loss.
Change: copy number 1 (one copy instead of two) of chr16:14,816,348-16,431,491 (1.62 Mb, GRCh38 coordinates, 1-based), cytogenetic band 16p13.11.
Identifiers: ClinVar variation 160930 (VCV000160930.1).